The following is an entry in ClinVar:

ClinVar aggregate classification (germline): Uncertain significance. Review status: criteria provided, multiple submitters, no conflicts (2 of 4 stars). 2 submissions from 2 submitters: Uncertain significance (2). Last evaluated 2025-05-05.

Conditions:
Hereditary cancer-predisposing syndrome. Also called: Hereditary neoplastic syndrome; Hereditary Cancer Syndrome; Neoplastic Syndromes, Hereditary; Tumor predisposition. Identifiers: Orphanet 140162, MedGen C0027672, MeSH D009386, MONDO:0015356.
Neuroblastoma, susceptibility to, 3. Also called: ALK-Related Neuroblastic Tumor Susceptibility. Identifiers: Orphanet 635, MedGen C2751681, MONDO:0013083, OMIM 613014.

gnomAD v4.1: 1 of 1,614,146 alleles (0.000062%); no homozygotes.

Submissions (2):

Labcorp Genetics (formerly Invitae), Labcorp
Classification: Uncertain significance for Neuroblastoma, susceptibility to, 3. Last evaluated: 2025-05-05. Review status: criteria provided, single submitter. Criteria: Invitae Variant Classification Sherloc (09022015). Collection method: clinical testing. Allele origin: germline.
Comment: This sequence change replaces serine, which is neutral and polar, with glycine, which is neutral and non-polar, at codon 960 of the ALK protein (p.Ser960Gly). This variant is not present in population databases (gnomAD no frequency). This variant has not been reported in the literature in individuals affected with ALK-related conditions. ClinVar contains an entry for this variant (Variation ID: 2728881). An algorithm developed to predict the effect of missense changes on protein structure and function (PolyPhen-2) suggests that this variant is likely to be tolerated. In summary, the available evidence is currently insufficient to determine the role of this variant in disease. Therefore, it has been classified as a Variant of Uncertain Significance.

Ambry Genetics
Classification: Uncertain significance for Hereditary cancer-predisposing syndrome. Last evaluated: 2024-10-14. Review status: criteria provided, single submitter. Criteria: Ambry Variant Classification Scheme 2023. Collection method: clinical testing. Allele origin: germline.
Comment: The p.S960G variant (also known as c.2878A>G), located in coding exon 17 of the ALK gene, results from an A to G substitution at nucleotide position 2878. The serine at codon 960 is replaced by glycine, an amino acid with similar properties. This amino acid position is conserved. In addition, this alteration is predicted to be tolerated by in silico analysis. Based on the available evidence, the clinical significance of this variant remains unclear.

NM_004304.5(ALK):c.2878A>G (p.Ser960Gly)

Gene: ALK (ALK receptor tyrosine kinase; minus strand). Cytogenetic location: 2p23.2.
Variant type: single nucleotide variant.
Coding change: c.2878A>G on transcript NM_004304.5 (MANE Select); coding-DNA position 2878, A replaced by G.
Protein change: p.Ser960Gly; replaces serine 960 with glycine.
Molecular consequence: missense variant.
Genome position (GRCh38, 1-based): chr2:29,227,610, T>C on the plus strand (A>G on the coding strand, the complement: ALK is on the minus strand). VCF-style: chr2-29227610-T-C. GRCh37 (hg19) VCF-style: chr2-29450476-T-C.
Other names: c.2878A>G (NM_004304.4); short protein forms S960G.
Identifiers: ClinVar variation 2728881 (VCV002728881.4), dbSNP rs2465973515, ClinGen allele CA346468440.